The following is an entry in ClinVar:

NM_016169.4(SUFU):c.179A>C (p.Tyr60Ser)

Gene: SUFU (SUFU negative regulator of hedgehog signaling; plus strand). Cytogenetic location: 10q24.32.
Variant type: single nucleotide variant.
Coding change: c.179A>C on transcript NM_016169.4 (MANE Select); coding-DNA position 179, A replaced by C.
Protein change: p.Tyr60Ser; replaces tyrosine 60 with serine.
Molecular consequence: missense variant.
Genome position (GRCh38, 1-based): chr10:102,504,331, A>C. VCF-style: chr10-102504331-A-C. GRCh37 (hg19) VCF-style: chr10-104264088-A-C.
Other names: c.179A>C, p.Tyr60Ser (NM_001178133.2); short protein forms Y60S.
Identifiers: ClinVar variation 1780319 (VCV001780319.8), dbSNP rs2544831968, ClinGen allele CA377886788.

ClinVar aggregate classification (germline): Uncertain significance. Review status: criteria provided, multiple submitters, no conflicts (2 of 4 stars). 2 submissions from 2 submitters: Uncertain significance (2). Last evaluated 2025-06-13.

Conditions:
Hereditary cancer-predisposing syndrome. Also called: Tumor predisposition; Neoplastic Syndromes, Hereditary; Hereditary Cancer Syndrome; Hereditary neoplastic syndrome. Identifiers: Orphanet 140162, MedGen C0027672, MeSH D009386, MONDO:0015356.
Gorlin syndrome. Also called: Nevoid Basal Cell Carcinoma Syndrome; Basal cell nevus syndrome. Identifiers: Orphanet 377, MedGen C0004779, MONDO:0007187.
Medulloblastoma (MDB). Also called: MEDULLOBLASTOMA PREDISPOSITION SYNDROME; Medulloblastoma, somatic. Identifiers: Orphanet 616, MedGen C0025149, MeSH D008527, MONDO:0007959, OMIM 155255, HP:0002885.

Submissions (2):

Ambry Genetics
Classification: Uncertain significance for Hereditary cancer-predisposing syndrome. Last evaluated: 2025-06-13. Review status: criteria provided, single submitter. Criteria: Ambry Variant Classification Scheme 2023. Collection method: clinical testing. Allele origin: germline.
Comment: The p.Y60S variant (also known as c.179A>C), located in coding exon 1 of the SUFU gene, results from an A to C substitution at nucleotide position 179. The tyrosine at codon 60 is replaced by serine, an amino acid with dissimilar properties. This amino acid position is conserved. In addition, this alteration is predicted to be deleterious by in silico analysis. Since supporting evidence is limited at this time, the clinical significance of this alteration remains unclear.

Labcorp Genetics (formerly Invitae), Labcorp
Classification: Uncertain significance for Gorlin syndrome; Medulloblastoma. Last evaluated: 2025-05-27. Review status: criteria provided, single submitter. Criteria: Invitae Variant Classification Sherloc (09022015). Collection method: clinical testing. Allele origin: germline.
Comment: This sequence change replaces tyrosine, which is neutral and polar, with serine, which is neutral and polar, at codon 60 of the SUFU protein (p.Tyr60Ser). This variant is not present in population databases (gnomAD no frequency). This variant has not been reported in the literature in individuals affected with SUFU-related conditions. ClinVar contains an entry for this variant (Variation ID: 1780319). Invitae Evidence Modeling of protein sequence and biophysical properties (such as structural, functional, and spatial information, amino acid conservation, physicochemical variation, residue mobility, and thermodynamic stability) has been performed for this missense variant. However, the output from this modeling did not meet the statistical confidence thresholds required to predict the impact of this variant on SUFU protein function. In summary, the available evidence is currently insufficient to determine the role of this variant in disease. Therefore, it has been classified as a Variant of Uncertain Significance.